The following is an entry in ClinVar:

ClinVar aggregate classification (germline): Benign/Likely benign. Review status: criteria provided, multiple submitters, no conflicts (2 of 4 stars). 5 submissions from 5 submitters: Benign (1); Likely benign (4). Last evaluated 2024-12-27.

Conditions:
Hereditary cancer-predisposing syndrome. Also called: Tumor predisposition; Hereditary Cancer Syndrome; Hereditary neoplastic syndrome; Neoplastic Syndromes, Hereditary. Identifiers: Orphanet 140162, MedGen C0027672, MeSH D009386, MONDO:0015356.
Hereditary nonpolyposis colorectal neoplasms. Identifiers: MedGen C0009405, MeSH D003123.
Lynch syndrome 5 (LYNCH5). Also called: Colorectal cancer, hereditary nonpolyposis, type 5; Hereditary non-polyposis colorectal cancer, type 5. Identifiers: Orphanet 144, MedGen C1833477, MONDO:0013710, OMIM 614350. Disease mechanism: loss of function.

Allele frequency attached by ClinVar (database versions not stated): gnomAD exomes 0.00001.
gnomAD v4.1: 4 of 1,614,122 alleles (0.00025%); highest among the groups gnomAD compares: Non-Finnish European, 0.00034%; no homozygotes.

Submissions (5):

Myriad Genetics, Inc.
Classification: Benign for Lynch syndrome 5. Last evaluated: 2024-12-27. Review status: criteria provided, single submitter. Criteria: Myriad Autosomal Dominant, Autosomal Recessive and X-Linked Classification Criteria (2023). Collection method: clinical testing. Allele origin: unknown.
Comment: This variant is considered benign. This variant is a silent/synonymous amino acid change and it is not expected to impact splicing.

Ambry Genetics
Classification: Likely benign for Hereditary cancer-predisposing syndrome. Last evaluated: 2022-04-18. Review status: criteria provided, single submitter. Criteria: Ambry Variant Classification Scheme 2023. Collection method: clinical testing. Allele origin: germline.

Sema4
Classification: Likely benign for Hereditary cancer-predisposing syndrome. Last evaluated: 2021-12-16. Review status: criteria provided, single submitter. Criteria: Sema4 Curation Guidelines. Collection method: curation. Allele origin: germline.

Labcorp Genetics (formerly Invitae), Labcorp
Classification: Likely benign for Hereditary nonpolyposis colorectal neoplasms. Last evaluated: 2020-11-13. Review status: criteria provided, single submitter. Criteria: Invitae Variant Classification Sherloc (09022015). Collection method: clinical testing. Allele origin: germline.

Color Diagnostics, LLC DBA Color Health
Classification: Likely benign for Hereditary cancer-predisposing syndrome. Last evaluated: 2018-07-31. Review status: criteria provided, single submitter. Criteria: ACMG Guidelines, 2015. Collection method: clinical testing. Allele origin: germline.

NM_000179.3(MSH6):c.1569T>G (p.Thr523=)

Gene: MSH6 (mutS homolog 6; plus strand). Cytogenetic location: 2p16.3.
Variant type: single nucleotide variant.
Coding change: c.1569T>G on transcript NM_000179.3 (MANE Select); coding-DNA position 1569, T replaced by G.
Protein change: p.Thr523=; no amino-acid change (threonine 523 retained).
Molecular consequence: synonymous variant.
Genome position (GRCh38, 1-based): chr2:47,799,552, T>G. VCF-style: chr2-47799552-T-G. GRCh37 (hg19) VCF-style: chr2-48026691-T-G.
Other names: c.1179T>G, p.Thr393= (NM_001281492.2); c.663T>G, p.Thr221= (NM_001281493.2, NM_001281494.2).
Identifiers: ClinVar variation 89201 (VCV000089201.16), dbSNP rs587779214, ClinGen allele CA008800.